The following is an entry in ClinVar:

NM_001367624.2(ZNF469):c.11449A>G (p.Arg3817Gly)

Gene: ZNF469 (zinc finger protein 469; plus strand). Cytogenetic location: 16q24.2.
Variant type: single nucleotide variant.
Coding change: c.11449A>G on transcript NM_001367624.2 (MANE Select); coding-DNA position 11449, A replaced by G.
Protein change: p.Arg3817Gly; replaces arginine 3817 with glycine.
Molecular consequence: missense variant.
Genome position (GRCh38, 1-based): chr16:88,438,919, A>G. VCF-style: chr16-88438919-A-G. GRCh37 (hg19) VCF-style: chr16-88505327-A-G.
Other names: NM_001127464.1:c.11365A>G; short protein forms R3817G.
Identifiers: ClinVar variation 3232746 (VCV003232746.1), dbSNP rs1906802017, ClinGen allele CA397130152.

ClinVar aggregate classification (germline): Uncertain significance (1 of 4 stars; one submission).

Conditions:
Cardiovascular phenotype. Identifiers: MedGen CN230736.

Submission:

Ambry Genetics
Classification: Uncertain significance for Cardiovascular phenotype. Last evaluated: 2024-02-18. Review status: criteria provided, single submitter. Criteria: Ambry Variant Classification Scheme 2023. Collection method: clinical testing. Allele origin: germline.
Comment: The p.R3789G variant (also known as c.11365A>G), located in coding exon 2 of the ZNF469 gene, results from an A to G substitution at nucleotide position 11365. The arginine at codon 3789 is replaced by glycine, an amino acid with dissimilar properties. This amino acid position is conserved. In addition, this alteration is predicted to be tolerated by in silico analysis. Based on the available evidence, the clinical significance of this alteration remains unclear.